The following is an entry in ClinVar:

ClinVar aggregate classification (germline): Likely benign (1 of 4 stars; one submission).

Allele frequency attached by ClinVar (database versions not stated): 1000 Genomes Project 0.00859; 1000 Genomes Project 30x 0.00859; gnomAD 0.01431 and 0.01439; TOPMed 0.01670.
gnomAD v4.1: 2,175 of 152,170 alleles (1.4%); highest among the groups gnomAD compares: Admixed American, 2.2%; 19 homozygotes.

Submission:

GeneDx
Classification: Likely benign. Last evaluated: 2018-06-14. Review status: criteria provided, single submitter. Criteria: GeneDx Variant Classification (06012015). Collection method: clinical testing. Allele origin: germline. Affected: yes.
Comment: This variant is considered likely benign or benign based on one or more of the following criteria: it is a conservative change, it occurs at a poorly conserved position in the protein, it is predicted to be benign by multiple in silico algorithms, and/or has population frequency not consistent with disease.

NM_001267550.2(TTN):c.11311+213T>C

Gene: TTN (titin; minus strand). Cytogenetic location: 2q31.2.
Variant type: single nucleotide variant.
Coding change: c.11311+213T>C on transcript NM_001267550.2 (MANE Select); 213 bases into the intron after coding-DNA position 11311, T replaced by C.
Molecular consequence: intron variant.
Genome position (GRCh38, 1-based): chr2:178,752,911, A>G on the plus strand (T>C on the coding strand, the complement: TTN is on the minus strand). VCF-style: chr2-178752911-A-G. GRCh37 (hg19) VCF-style: chr2-179617638-A-G.
Other names: c.10360+213T>C (NM_001256850.1, NM_133378.4, NM_133379.5); c.10222+213T>C (NM_003319.4); c.10798+213T>C (NM_133437.4); c.10597+213T>C (NM_133432.3).
Identifiers: ClinVar variation 673088 (VCV000673088.1), dbSNP rs80340917, ClinGen allele CA60991939.